The following is an entry in ClinVar:

ClinVar aggregate classification (germline): Uncertain significance (1 of 4 stars; one submission).

gnomAD v4.1: 7 of 1,614,100 alleles (0.00043%); highest among the groups gnomAD compares: South Asian, 0.0044%; no homozygotes.

Submission:

Labcorp Genetics (formerly Invitae), Labcorp
Classification: Uncertain significance. Last evaluated: 2025-08-16. Review status: criteria provided, single submitter. Criteria: Invitae Variant Classification Sherloc (09022015). Collection method: clinical testing. Allele origin: germline.
Comment: This sequence change replaces threonine, which is neutral and polar, with alanine, which is neutral and non-polar, at codon 248 of the BSND protein (p.Thr248Ala). This variant is present in population databases (no rsID available, gnomAD 0.006%). This variant has not been reported in the literature in individuals affected with BSND-related conditions. Invitae Evidence Modeling of protein sequence and biophysical properties (such as structural, functional, and spatial information, amino acid conservation, physicochemical variation, residue mobility, and thermodynamic stability) indicates that this missense variant is not expected to disrupt BSND protein function with a negative predictive value of 80%. In summary, the available evidence is currently insufficient to determine the role of this variant in disease. Therefore, it has been classified as a Variant of Uncertain Significance.

NM_057176.3(BSND):c.742A>G (p.Thr248Ala)

Gene: BSND (barttin CLCNK type accessory subunit beta; plus strand). Cytogenetic location: 1p32.3.
Variant type: single nucleotide variant.
Coding change: c.742A>G on transcript NM_057176.3 (MANE Select); coding-DNA position 742, A replaced by G.
Protein change: p.Thr248Ala; replaces threonine 248 with alanine.
Molecular consequence: missense variant.
Genome position (GRCh38, 1-based): chr1:55,008,407, A>G. VCF-style: chr1-55008407-A-G. GRCh37 (hg19) VCF-style: chr1-55474080-A-G.
Other names: short protein forms T248A.
Identifiers: ClinVar variation 4739053 (VCV004739053.1).
Genomic context (GRCh38, chr1:55,008,407, plus strand): 5'-CCTCAGGGCTGCAGGTGCCCGCTGGACCGCTTCCAAGACTTTGCCCTGATTGATGCCCCA[A>G]CGTTGGAGGATGAGCCCCAAGAGGGGCAGCAGTGGGAAATAGCCCTGCCCAACAACTGGC-3'
Protein context (NP_476517.1, residues 238-258): FQDFALIDAP[Thr248Ala]LEDEPQEGQQ